The following is an entry in ClinVar:

ClinVar aggregate classification (germline): Uncertain significance (1 of 4 stars; one submission).

Submission:

Ambry Genetics
Classification: Uncertain significance. Last evaluated: 2024-12-12. Review status: criteria provided, single submitter. Criteria: Ambry Variant Classification Scheme 2023. Collection method: clinical testing. Allele origin: germline.
Comment: The p.P772T variant (also known as c.2314C>A), located in coding exon 10 of the WNK2 gene, results from a C to A substitution at nucleotide position 2314. The proline at codon 772 is replaced by threonine, an amino acid with highly similar properties. This amino acid position is conserved. In addition, this alteration is predicted to be tolerated by in silico analysis. Based on the available evidence, the clinical significance of this variant remains unclear.

NM_006648.4(WNK2):c.2314C>A (p.Pro772Thr)

Gene: WNK2 (WNK lysine deficient protein kinase 2; plus strand). Cytogenetic location: 9q22.31.
Variant type: single nucleotide variant.
Coding change: c.2314C>A on transcript NM_006648.4 (MANE Select); coding-DNA position 2314, C replaced by A.
Protein change: p.Pro772Thr; replaces proline 772 with threonine.
Molecular consequence: missense variant.
Genome position (GRCh38, 1-based): chr9:93,257,071, C>A. VCF-style: chr9-93257071-C-A. GRCh37 (hg19) VCF-style: chr9-96019353-C-A.
Other names: c.2314C>A, p.Pro772Thr (NM_001282394.3); short protein forms P772T.
Identifiers: ClinVar variation 3816437 (VCV003816437.1).